The following is an entry in ClinVar:

NM_000492.4(CFTR):c.2974T>C (p.Phe992Leu)

Genes: CFTR-AS2 (CFTR antisense RNA 2; minus strand), CFTR (CF transmembrane conductance regulator; plus strand). Cytogenetic location: 7q31.2.
Variant type: single nucleotide variant.
Coding change: c.2974T>C on transcript NM_000492.4 (MANE Select); coding-DNA position 2974, T replaced by C.
Protein change: p.Phe992Leu; replaces phenylalanine 992 with leucine.
Molecular consequence: missense variant.
Genome position (GRCh38, 1-based): chr7:117,606,739, T>C. VCF-style: chr7-117606739-T-C. GRCh37 (hg19) VCF-style: chr7-117246793-T-C.
Other names: short protein forms F992L.
Identifiers: ClinVar variation 572478 (VCV000572478.8), dbSNP rs1043006335, ClinGen allele CA368989190.
Genomic context (GRCh38, chr7:117,606,739, plus strand): 5'-ATTCTTAATAGATTCTCCAAAGATATAGCAATTTTGGATGACCTTCTGCCTCTTACCATA[T>C]TTGACTTCATCCAGGTATGTAAAAATAAGTACCGTTAAGTATGTCTGTATTATTAAAAAA-3'
Protein context (NP_000483.3, residues 982-1002): ILDDLLPLTI[Phe992Leu]DFIQLLLIVI

ClinVar aggregate classification (germline): Uncertain significance (1 of 4 stars; one submission).

Conditions:
Cystic fibrosis (CF). Also called: MUCOVISCIDOSIS. Identifiers: Orphanet 586, MedGen C0010674, MONDO:0009061, OMIM 219700. Disease mechanism: loss of function.

Submission:

Labcorp Genetics (formerly Invitae), Labcorp
Classification: Uncertain significance for Cystic fibrosis. Last evaluated: 2018-05-29. Review status: criteria provided, single submitter. Criteria: Invitae Variant Classification Sherloc (09022015). Collection method: clinical testing. Allele origin: germline.
Comment: In summary, the available evidence is currently insufficient to determine the role of this variant in disease. Therefore, it has been classified as a Variant of Uncertain Significance. Algorithms developed to predict the effect of missense changes on protein structure and function (SIFT, PolyPhen-2, Align-GVGD) all suggest that this variant is likely to be tolerated, but these predictions have not been confirmed by published functional studies and their clinical significance is uncertain. This variant has not been reported in the literature in individuals with CFTR-related disease. This variant is not present in population databases (ExAC no frequency). This sequence change replaces phenylalanine with leucine at codon 992 of the CFTR protein (p.Phe992Leu). The phenylalanine residue is highly conserved and there is a small physicochemical difference between phenylalanine and leucine.